The following is an entry in ClinVar:

ClinVar aggregate classification (germline): Uncertain significance. Review status: criteria provided, multiple submitters, no conflicts (2 of 4 stars). 2 submissions from 2 submitters: Uncertain significance (2). Last evaluated 2024-06-18.

Conditions:
Frontotemporal dementia and/or amyotrophic lateral sclerosis 4. Also called: FTDALS4. Identifiers: Orphanet 275872, MedGen C4225325, MONDO:0014641, OMIM 616439.

Allele frequency attached by ClinVar (database versions not stated): gnomAD exomes 0.00003 and 0.00002; gnomAD 0.00003; ExAC 0.00003; TOPMed 0.00003.
gnomAD v4.1: 31 of 1,519,392 alleles (0.002%); highest among the groups gnomAD compares: East Asian, 0.0024%; no homozygotes.

Submissions (2):

Labcorp Genetics (formerly Invitae), Labcorp
Classification: Uncertain significance for Frontotemporal dementia and/or amyotrophic lateral sclerosis 4. Last evaluated: 2024-06-18. Review status: criteria provided, single submitter. Criteria: Invitae Variant Classification Sherloc (09022015). Collection method: clinical testing. Allele origin: germline.
Comment: This sequence change replaces threonine, which is neutral and polar, with isoleucine, which is neutral and non-polar, at codon 331 of the TBK1 protein (p.Thr331Ile). The frequency data for this variant in the population databases is considered unreliable, as metrics indicate poor data quality at this position in the gnomAD database. This variant has been reported in the amyotrophic lateral sclerosis variant database (PMID: 25700176). ClinVar contains an entry for this variant (Variation ID: 475942). An algorithm developed to predict the effect of missense changes on protein structure and function (PolyPhen-2) suggests that this variant is likely to be tolerated. In summary, the available evidence is currently insufficient to determine the role of this variant in disease. Therefore, it has been classified as a Variant of Uncertain Significance.

GeneDx
Classification: Uncertain significance. Last evaluated: 2019-09-26. Review status: criteria provided, single submitter. Criteria: GeneDx Variant Classification Process June 2021. Collection method: clinical testing. Allele origin: germline. Affected: yes.
Comment: In silico analysis, which includes protein predictors and evolutionary conservation, supports a deleterious effect; Has not been previously published as pathogenic or benign to our knowledge; This variant is associated with the following publications: (PMID: 25700176)

Literature cited by the submitters: PubMed 25700176 (cited by Labcorp Genetics (formerly Invitae), Labcorp).

NM_013254.4(TBK1):c.992C>T (p.Thr331Ile)

Gene: TBK1 (TANK binding kinase 1; plus strand). Cytogenetic location: 12q14.2.
Variant type: single nucleotide variant.
Coding change: c.992C>T on transcript NM_013254.4 (MANE Select); coding-DNA position 992, C replaced by T.
Protein change: p.Thr331Ile; replaces threonine 331 with isoleucine.
Molecular consequence: missense variant.
Genome position (GRCh38, 1-based): chr12:64,482,021, C>T. VCF-style: chr12-64482021-C-T. GRCh37 (hg19) VCF-style: chr12-64875801-C-T.
Other names: c.992C>T, p.Thr331Ile (LRG_1306t1); short protein forms T331I.
Identifiers: ClinVar variation 475942 (VCV000475942.11), dbSNP rs200758840, ClinGen allele CA6668937.
Genomic context (GRCh38, chr12:64,482,021, plus strand): 5'-TTCATGTTTTTTCGCTACAACAAATGACAGCTCATAAGATTTATATTCATAGCTATAATA[C>T]GTAAGTATCTCTATTTTCTTCTTGTATCAACATGTTCTGTTATATAATATTTTCCTAAGT-3'
Protein context (NP_037386.1, residues 321-341): AHKIYIHSYN[Thr331Ile]ATIFHELVYK